The following is an entry in ClinVar:

NM_000138.5(FBN1):c.2929A>G (p.Met977Val)

Gene: FBN1 (fibrillin 1; minus strand). Cytogenetic location: 15q21.1.
Variant type: single nucleotide variant.
Coding change: c.2929A>G on transcript NM_000138.5 (MANE Select); coding-DNA position 2929, A replaced by G.
Protein change: p.Met977Val; replaces methionine 977 with valine.
Molecular consequence: missense variant.
Genome position (GRCh38, 1-based): chr15:48,490,004, T>C on the plus strand (A>G on the coding strand, the complement: FBN1 is on the minus strand). VCF-style: chr15-48490004-T-C. GRCh37 (hg19) VCF-style: chr15-48782201-T-C.
Other names: short protein forms M977V.
Identifiers: ClinVar variation 519704 (VCV000519704.23), dbSNP rs776833421, ClinGen allele CA049390.

ClinVar aggregate classification (germline): Uncertain significance. Review status: criteria provided, multiple submitters, no conflicts (2 of 4 stars). 3 submissions from 3 submitters: Uncertain significance (3). Last evaluated 2022-05-31.

Conditions:
Familial thoracic aortic aneurysm and aortic dissection (TAAD). Also called: Thoracic aortic aneurysms and dissections. Identifiers: Orphanet 91387, MedGen C4707243, MONDO:0019625.
Marfan syndrome (MFS). Also called: Marfan syndrome type 1; Marfan syndrome, classic; Marfan's syndrome; FBN1-Related Marfan Syndrome; MARFAN SYNDROME, TYPE I. Identifiers: Orphanet 284963, Orphanet 558, MedGen C0024796, MONDO:0007947, OMIM 154700.

Allele frequency attached by ClinVar (database versions not stated): ExAC 0.00001; TOPMed 0.00002; gnomAD exomes below 0.00001.
gnomAD v4.1: 6 of 1,614,154 alleles (0.00037%); highest among the groups gnomAD compares: Admixed American, 0.0017%; no homozygotes.

Submissions (3):

Institute of Human Genetics, University of Leipzig Medical Center
Classification: Uncertain significance for Marfan syndrome. Last evaluated: 2022-05-31. Review status: criteria provided, single submitter. Criteria: ACMG Guidelines, 2015. Collection method: clinical testing. Allele origin: unknown. Affected: yes.
Comment: Despite strong evidence for its pathogenicity, this variant has to be classified as of unknown significance, according to the ACMG-criteria (Richards et al., 2015)_x000D_ Criteria applied: PM1, PM2_SUP, PS4_SUP, PP3

Labcorp Genetics (formerly Invitae), Labcorp
Classification: Uncertain significance for Marfan syndrome; Familial thoracic aortic aneurysm and aortic dissection. Last evaluated: 2021-09-01. Review status: criteria provided, single submitter. Criteria: Invitae Variant Classification Sherloc (09022015). Collection method: clinical testing. Allele origin: germline.
Comment: This sequence change replaces methionine with valine at codon 977 of the FBN1 protein (p.Met977Val). The methionine residue is highly conserved and there is a small physicochemical difference between methionine and valine. This variant is present in population databases (rs776833421, ExAC 0.001%). This variant has not been reported in the literature in individuals affected with FBN1-related conditions. ClinVar contains an entry for this variant (Variation ID: 519704). Algorithms developed to predict the effect of missense changes on protein structure and function (SIFT, PolyPhen-2, Align-GVGD) all suggest that this variant is likely to be tolerated. In summary, the available evidence is currently insufficient to determine the role of this variant in disease. Therefore, it has been classified as a Variant of Uncertain Significance.

Ambry Genetics
Classification: Uncertain significance for Familial thoracic aortic aneurysm and aortic dissection. Last evaluated: 2016-04-01. Review status: criteria provided, single submitter. Criteria: Ambry Variant Classification Scheme 2023. Collection method: clinical testing. Allele origin: germline.
Comment: The p.M977V variant (also known as c.2929A>G), located in coding exon 24 of the FBN1 gene, results from an A to G substitution at nucleotide position 2929. The methionine at codon 977 is replaced by valine, an amino acid with highly similar properties. Based on data from ExAC, the G allele was reported in 1 of 121308 total alleles (Exome Aggregation Consortium (ExAC), Cambridge, MA (URL) [Accessed March 29, 2016]). This variant was not reported in population based cohorts in the following databases: Database of Single Nucleotide Polymorphisms (dbSNP), NHLBI Exome Sequencing Project (ESP), and 1000 Genomes Project. In the ESP, this variant was not observed in 6494 samples (12988 alleles) with coverage at this position. This amino acid position is not well conserved in available vertebrate species, and valine is the reference amino acid in other vertebrate species. In addition, this alteration is predicted to be tolerated by in silico analysis. Since supporting evidence is limited at this time, the clinical significance of this alteration remains unclear.